The following is an entry in ClinVar:

NM_001080421.3(UNC13A):c.1626A>G (p.Gln542=)

Gene: UNC13A (unc-13 homolog A; minus strand). Cytogenetic location: 19p13.11.
Variant type: single nucleotide variant.
Coding change: c.1626A>G on transcript NM_001080421.3 (MANE Select); coding-DNA position 1626, A replaced by G.
Protein change: p.Gln542=; no amino-acid change (glutamine 542 retained).
Molecular consequence: synonymous variant.
Genome position (GRCh38, 1-based): chr19:17,648,621, T>C on the plus strand (A>G on the coding strand, the complement: UNC13A is on the minus strand). VCF-style: chr19-17648621-T-C. GRCh37 (hg19) VCF-style: chr19-17759430-T-C.
Other names: c.1620A>G, p.Gln540= (NM_001387021.1, NM_001387022.1, NM_001387023.1).
Identifiers: ClinVar variation 3029211 (VCV003029211.2), dbSNP rs959578676, ClinGen allele CA306104082.
Genomic context (GRCh38, chr19:17,648,621, plus strand): 5'-GGTGGCCGTCCACACTTCGAAGTTGTGTGGCGTCGTGCACGAGATGGGGTAGATTAAGGC[T>C]TGCAGGGTCTTCTTGTAAACGTGGTTTTTCTGCAGGGAGGGATGGGGTGCGGTTTGGGGG-3'
Protein context (NP_001073890.2, residues 532-552): LKNHVYKKTL[Gln542=]ALIYPISCTT

ClinVar aggregate classification (germline): Likely benign (0 of 4 stars; one submission).

Conditions:
UNC13A-related disorder. Also called: UNC13A-related condition.

Allele frequency attached by ClinVar (database versions not stated): gnomAD exomes 0.00001; gnomAD 0.00002; TOPMed 0.00013.
gnomAD v4.1: 8 of 1,610,276 alleles (0.0005%); highest among the groups gnomAD compares: Admixed American, 0.012%; no homozygotes.

Submission:

PreventionGenetics, part of Exact Sciences
Classification: Likely benign for UNC13A-related condition. Last evaluated: 2022-07-12. Review status: no assertion criteria provided. Collection method: clinical testing. Allele origin: germline.
Comment: This variant is classified as likely benign based on ACMG/AMP sequence variant interpretation guidelines (Richards et al. 2015 PMID: 25741868, with internal and published modifications).